The following is an entry in ClinVar:

ClinVar aggregate classification (germline): Pathogenic. Review status: criteria provided, multiple submitters, no conflicts (2 of 4 stars). 8 submissions from 8 submitters: Pathogenic (8). Last evaluated 2025-12-08.

Conditions:
CNGB1-related disorder. Also called: CNGB1-related condition.
Retinal dystrophy. Also called: Inherited retinal dystrophy. Identifiers: Orphanet 71862, MedGen C0854723, MeSH D058499, MONDO:0019118, HP:0000556.
Retinitis pigmentosa (RP). Identifiers: Orphanet 791, MedGen C0035334, MeSH D012174, MONDO:0019200, OMIM 268000. Inheritance: Autosomal dominant, autosomal recessive and X linked inheritance.
Retinitis pigmentosa 45 (RP45). Identifiers: Orphanet 791, MedGen C3151066, MONDO:0013413, OMIM 613767.

Allele frequency attached by ClinVar (database versions not stated): gnomAD exomes below 0.00001; TOPMed 0.00001.
gnomAD v4.1: 5 of 1,613,940 alleles (0.00031%); highest among the groups gnomAD compares: Non-Finnish European, 0.00042%; no homozygotes.

Submissions (8):

Dasa
Classification: Pathogenic. Last evaluated: 2025-12-08. Review status: criteria provided, single submitter. Criteria: DASA Assertion Criteria. Collection method: clinical testing. Allele origin: germline.
Comment: NM_001297.5(CNGB1):c.1958-1G>A affects a canonical splice site and is predicted to disrupt normal RNA splicing, leading to loss of normal protein function. Loss-of-function is an established mechanism of disease for this gene. This variant has been reported in individuals with related phenotype (PMID: 37107588). The variant is present at low frequency in population datasets. Based on the available data, this variant is classified as pathogenic.

Labcorp Genetics (formerly Invitae), Labcorp
Classification: Pathogenic. Last evaluated: 2025-10-27. Review status: criteria provided, single submitter. Criteria: Invitae Variant Classification Sherloc (09022015). Collection method: clinical testing. Allele origin: germline.
Comment: This sequence change affects an acceptor splice site in intron 20 of the CNGB1 gene. It is expected to disrupt RNA splicing. Variants that disrupt the donor or acceptor splice site typically lead to a loss of protein function (PMID: 16199547), and loss-of-function variants in CNGB1 are known to be pathogenic (PMID: 15557452, 24043777). This variant is present in population databases (no rsID available, gnomAD no frequency). Disruption of this splice site has been observed in individuals with retinitis pigmentosa (internal data). ClinVar contains an entry for this variant (Variation ID: 803260). Algorithms developed to predict the effect of sequence changes on RNA splicing suggest that this variant may disrupt the consensus splice site. For these reasons, this variant has been classified as Pathogenic.

PreventionGenetics, part of Exact Sciences
Classification: Pathogenic for CNGB1-related condition. Last evaluated: 2024-10-10. Review status: criteria provided, single submitter. Criteria: ACMG Guidelines, 2015. Collection method: clinical testing. Allele origin: germline.
Comment: The CNGB1 c.1958-1G>A variant is predicted to disrupt the AG splice acceptor site and interfere with normal splicing. This variant has been reported in the homozygous and compound heterozygous states in individuals with CNGB1-associated retinitis pigmentosa, including two families (Geada et al. 2023. PubMed ID: 3710758). This variant is not reported in any of the seven population categories in gnomAD, but is present in 1/6062 alleles in the remaining individuals in gnomAD. Variants that disrupt the consensus splice acceptor site in CNGB1 are expected to be pathogenic. This variant is interpreted as pathogenic.

Fulgent Genetics
Classification: Pathogenic for Retinitis pigmentosa 45. Last evaluated: 2024-02-15. Review status: criteria provided, single submitter. Criteria: ACMG Guidelines, 2015. Collection method: clinical testing. Allele origin: germline.

Blueprint Genetics
Classification: Pathogenic for CNGB1-related disorders. Last evaluated: 2024-01-19. Review status: criteria provided, single submitter. Criteria: ACMG Guidelines, 2015. Collection method: clinical testing. Allele origin: germline. Affected: yes. Observed: 4 variant alleles.

3billion
Classification: Pathogenic for Retinitis pigmentosa 45. Last evaluated: 2022-05-22. Review status: criteria provided, single submitter. Criteria: ACMG Guidelines, 2015. Collection method: clinical testing. Allele origin: germline. Affected: yes. Observed: 1 homozygote.
Comment: The variant is observed at an extremely low frequency in the gnomAD v2.1.1 dataset (total allele frequency: <0.001%). Canonical splice site: predicted to alter splicing and result in a loss or disruption of normal protein function. Multiple pathogenic loss-of-function variants are reported downstream of the variant. The variant has been reported at least twice as pathogenic without evidence for the classification (ClinVar ID: VCV000803260). Therefore, this variant is classified as pathogenic according to the recommendation of ACMG/AMP guideline.

Institute of Human Genetics, Univ. Regensburg, Univ. Regensburg
Classification: Pathogenic for Retinal dystrophy. Last evaluated: 2022-01-01. Review status: criteria provided, single submitter. Criteria: ACMG Guidelines, 2015. Collection method: clinical testing. Allele origin: germline. Affected: yes.

Mendelics
Classification: Pathogenic for Retinitis pigmentosa. Last evaluated: 2019-05-28. Review status: criteria provided, single submitter. Criteria: Mendelics Assertion Criteria 2017. Collection method: clinical testing. Allele origin: unknown.

Literature cited by the submitters: PubMed 37107588 (cited by Dasa and Institute of Human Genetics, Univ. Regensburg, Univ. Regensburg); PubMed 16199547 (cited by Labcorp Genetics (formerly Invitae), Labcorp); PubMed 15557452 (cited by Labcorp Genetics (formerly Invitae), Labcorp); PubMed 24043777 (cited by Labcorp Genetics (formerly Invitae), Labcorp).

NM_001297.5(CNGB1):c.1958-1G>A

Gene: CNGB1 (cyclic nucleotide gated channel subunit beta 1; minus strand). Cytogenetic location: 16q21.
Variant type: single nucleotide variant.
Coding change: c.1958-1G>A on transcript NM_001297.5 (MANE Select); the canonical splice acceptor site of the intron before coding-DNA position 1958, G replaced by A.
Molecular consequence: splice acceptor variant.
Genome position (GRCh38, 1-based): chr16:57,917,477, C>T on the plus strand (G>A on the coding strand, the complement: CNGB1 is on the minus strand). VCF-style: chr16-57917477-C-T. GRCh37 (hg19) VCF-style: chr16-57951381-C-T.
Other names: c.1940-1G>A (NM_001286130.2).
Identifiers: ClinVar variation 803260 (VCV000803260.14), dbSNP rs888090139, ClinGen allele CA281600136.